The following is an entry in ClinVar:

NM_001111125.3(IQSEC2):c.1695C>T (p.Asp565=)

Gene: IQSEC2 (IQ motif and Sec7 domain ArfGEF 2; minus strand). Cytogenetic location: Xp11.22.
Variant type: single nucleotide variant.
Coding change: c.1695C>T on transcript NM_001111125.3 (MANE Select); coding-DNA position 1695, C replaced by T.
Protein change: p.Asp565=; no amino-acid change (aspartic acid 565 retained).
Molecular consequence: synonymous variant.
Genome position (GRCh38, 1-based): chrX:53,250,881, G>A on the plus strand (C>T on the coding strand, the complement: IQSEC2 is on the minus strand). VCF-style: chrX-53250881-G-A. GRCh37 (hg19) VCF-style: chrX-53280063-G-A.
Other names: c.1080C>T, p.Asp360= (NM_015075.2).
Identifiers: ClinVar variation 281871 (VCV000281871.12), dbSNP rs886044781, ClinGen allele CA10603988.

ClinVar aggregate classification (germline): Conflicting classifications of pathogenicity. Review status: criteria provided, conflicting classifications (1 of 4 stars). 3 submissions from 3 submitters: Uncertain significance (1); Likely benign (2). Last evaluated 2024-08-02.

Conditions:
Intellectual developmental disorder, X-linked 1. Also called: MENTAL RETARDATION, X-LINKED 18; MENTAL RETARDATION, X-LINKED 78; Atkin Flaitz Patil Smith syndrome; Intellectual disability, X-linked 1. Identifiers: Orphanet 777, MedGen C2931498, MONDO:0010656, OMIM 309530.

Allele frequency attached by ClinVar (database versions not stated): gnomAD 0.00002; gnomAD exomes 0.00001; TOPMed 0.00003.
gnomAD v4.1: 8 of 1,208,496 alleles (0.00066%); highest among the groups gnomAD compares: Middle Eastern, 0.092%; no homozygotes.

Submissions (3):

Labcorp Genetics (formerly Invitae), Labcorp
Classification: Likely benign for Intellectual developmental disorder, X-linked 1. Last evaluated: 2024-08-02. Review status: criteria provided, single submitter. Criteria: Invitae Variant Classification Sherloc (09022015). Collection method: clinical testing. Allele origin: germline.

GeneDx
Classification: Likely benign. Last evaluated: 2017-06-01. Review status: criteria provided, single submitter. Criteria: GeneDx Variant Classification (06012015). Collection method: clinical testing. Allele origin: germline. Affected: yes.
Comment: This variant is considered likely benign or benign based on one or more of the following criteria: it is a conservative change, it occurs at a poorly conserved position in the protein, it is predicted to be benign by multiple in silico algorithms, and/or has population frequency not consistent with disease.

Eurofins Ntd Llc (ga)
Classification: Uncertain significance. Last evaluated: 2015-07-21. Review status: criteria provided, single submitter. Criteria: EGL Classification Definitions 2015. Collection method: clinical testing. Allele origin: germline. Observed: 1 variant allele, 1 hemizygote.